The following is an entry in ClinVar:

ClinVar aggregate classification (germline): Pathogenic. Review status: criteria provided, multiple submitters, no conflicts (2 of 4 stars). 2 submissions from 2 submitters: Pathogenic (2). Last evaluated 2024-06-15.

Conditions:
VPS13A-related neurodegenerative disease. Also called: VPS13A Disease; LEVINE-CRITCHLEY SYNDROME; Choreoacanthocytosis; Chorea-acanthocytosis; ACANTHOCYTOSIS WITH NEUROLOGIC DISORDER; Choreaacanthocytosis. Identifiers: Orphanet 2388, MedGen C0393576, MONDO:0008695, OMIM 200150.

Submissions (2):

Myriad Genetics, Inc.
Classification: Pathogenic for VPS13A-related neurodegenerative disease. Last evaluated: 2024-06-15. Review status: criteria provided, single submitter. Criteria: Myriad Autosomal Dominant, Autosomal Recessive and X-Linked Classification Criteria (2023). Collection method: clinical testing. Allele origin: unknown.
Comment: NM_033305.2(VPS13A):c.3664C>T(Q1222*) is expected to be pathogenic in the context of VPS13A disease. This variant is predicted to lead to an abnormal or absent protein product due to the creation of a premature termination codon in VPS13A, a gene where loss-of-function variants are known to be pathogenic. Please note: this variant was assessed in the context of healthy population screening.

Labcorp Genetics (formerly Invitae), Labcorp
Classification: Pathogenic. Last evaluated: 2024-01-12. Review status: criteria provided, single submitter. Criteria: Invitae Variant Classification Sherloc (09022015). Collection method: clinical testing. Allele origin: germline.
Comment: This sequence change creates a premature translational stop signal (p.Gln1222*) in the VPS13A gene. It is expected to result in an absent or disrupted protein product. Loss-of-function variants in VPS13A are known to be pathogenic (PMID: 12404112, 21598378). This variant is not present in population databases (gnomAD no frequency). This variant has not been reported in the literature in individuals affected with VPS13A-related conditions. For these reasons, this variant has been classified as Pathogenic.

Literature cited by the submitters: PubMed 12404112 (cited by Labcorp Genetics (formerly Invitae), Labcorp); PubMed 21598378 (cited by Labcorp Genetics (formerly Invitae), Labcorp).

NM_033305.3(VPS13A):c.3664C>T (p.Gln1222Ter)

Gene: VPS13A (vacuolar protein sorting 13 homolog A; plus strand). Cytogenetic location: 9q21.2.
Variant type: single nucleotide variant.
Coding change: c.3664C>T on transcript NM_033305.3 (MANE Select); coding-DNA position 3664, C replaced by T.
Protein change: p.Gln1222Ter; replaces glutamine 1222 with a stop codon.
Molecular consequence: nonsense.
Genome position (GRCh38, 1-based): chr9:77,295,698, C>T. VCF-style: chr9-77295698-C-T. GRCh37 (hg19) VCF-style: chr9-79910614-C-T.
Other names: c.3547C>T, p.Gln1183Ter (NM_001018037.2); c.3664C>T, p.Gln1222Ter (NM_001018038.3, NM_015186.4); short protein forms Q1222*, Q1183*.
Identifiers: ClinVar variation 2718356 (VCV002718356.4), dbSNP rs2537896659, ClinGen allele CA373850230.